The following is an entry in ClinVar:

ClinVar aggregate classification (germline): Uncertain significance (1 of 4 stars; one submission).

gnomAD v4.1: 3 of 1,614,048 alleles (0.00019%); highest among the groups gnomAD compares: Non-Finnish European, 0.00025%; no homozygotes.

Submission:

Labcorp Genetics (formerly Invitae), Labcorp
Classification: Uncertain significance. Last evaluated: 2025-09-02. Review status: criteria provided, single submitter. Criteria: Invitae Variant Classification Sherloc (09022015). Collection method: clinical testing. Allele origin: germline.
Comment: This sequence change replaces asparagine, which is neutral and polar, with serine, which is neutral and polar, at codon 346 of the HNF4A protein (p.Asn346Ser). This variant is present in population databases (rs756892403, gnomAD 0.002%). This variant has not been reported in the literature in individuals affected with HNF4A-related conditions. ClinVar contains an entry for this variant (Variation ID: 3702198). An algorithm developed to predict the effect of missense changes on protein structure and function outputs the following: PolyPhen-2: "Benign". The serine amino acid residue is found in multiple mammalian species, which suggests that this missense change does not adversely affect protein function. In summary, the available evidence is currently insufficient to determine the role of this variant in disease. Therefore, it has been classified as a Variant of Uncertain Significance.

NM_175914.5(HNF4A):c.1037A>G (p.Asn346Ser)

Gene: HNF4A (hepatocyte nuclear factor 4 alpha; plus strand). Cytogenetic location: 20q13.12.
Variant type: single nucleotide variant.
Coding change: c.1037A>G on transcript NM_175914.5 (MANE Select); coding-DNA position 1037, A replaced by G.
Protein change: p.Asn346Ser; replaces asparagine 346 with serine.
Molecular consequence: missense variant.
Genome position (GRCh38, 1-based): chr20:44,424,228, A>G. VCF-style: chr20-44424228-A-G. GRCh37 (hg19) VCF-style: chr20-43052868-A-G.
Other names: c.1103A>G, p.Asn368Ser (NM_000457.6, NM_178849.3, NM_178850.3); c.1037A>G, p.Asn346Ser (NM_001030003.3, NM_001030004.3); c.1082A>G, p.Asn361Ser (NM_001258355.2); c.1028A>G, p.Asn343Ser (NM_001287182.2, NM_001287183.2, NM_001287184.2); short protein forms N361S, N368S, N343S, N346S.
Identifiers: ClinVar variation 3702198 (VCV003702198.2).
Genomic context (GRCh38, chr20:44,424,228, plus strand): 5'-CCTGGCAGATGATCGAGCAGATCCAGTTCATCAAGCTCTTCGGCATGGCCAAGATTGACA[A>G]CCTGTTGCAGGAGATGCTGCTGGGAGGTCCGTGCCAAGCCCAGGAGGGGCGGGGTTGGAG-3'
Protein context (NP_787110.2, residues 336-356): IKLFGMAKID[Asn346Ser]LLQEMLLGGS